The following is an entry in ClinVar:

ClinVar aggregate classification (germline): Uncertain significance (1 of 4 stars; one submission).

Submission:

Women's Health and Genetics/Laboratory Corporation of America, LabCorp
Classification: Uncertain significance. Last evaluated: 2024-10-02. Review status: criteria provided, single submitter. Criteria: LabCorp Variant Classification Summary - May 2015. Collection method: clinical testing. Allele origin: germline.
Comment: Variant summary: SETD1A c.820A>G (p.Thr274Ala) results in a non-conservative amino acid change in the encoded protein sequence. Four of five in-silico tools predict a damaging effect of the variant on protein function. The variant was absent in 251272 control chromosomes. The available data on variant occurrences in the general population are insufficient to allow any conclusion about variant significance. To our knowledge, no occurrence of c.820A>G in individuals affected with Neurodevelopmental Disorder With Speech Impairment And Dysmorphic Facies and no experimental evidence demonstrating its impact on protein function have been reported. No submitters have cited clinical-significance assessments for this variant to ClinVar. Based on the evidence outlined above, the variant was classified as uncertain significance.

NM_014712.3(SETD1A):c.820A>G (p.Thr274Ala)

Gene: SETD1A (SET domain containing 1A, histone lysine methyltransferase; plus strand). Cytogenetic location: 16p11.2.
Variant type: single nucleotide variant.
Coding change: c.820A>G on transcript NM_014712.3 (MANE Select); coding-DNA position 820, A replaced by G.
Protein change: p.Thr274Ala; replaces threonine 274 with alanine.
Molecular consequence: missense variant.
Genome position (GRCh38, 1-based): chr16:30,964,274, A>G. VCF-style: chr16-30964274-A-G. GRCh37 (hg19) VCF-style: chr16-30975595-A-G.
Other names: short protein forms T274A.
Identifiers: ClinVar variation 3384985 (VCV003384985.1).